The following is an entry in ClinVar:

ClinVar aggregate classification (germline): Likely pathogenic (1 of 4 stars; one submission).

Conditions:
Café-au-lait macules with pulmonary stenosis (WTSN). Also called: PULMONIC STENOSIS WITH CAFE-AU-LAIT SPOTS. Identifiers: MedGen C0553586, MONDO:0008672, OMIM 193520.

Submission:

Dubai Health Genomic Medicine Center, Dubai Health
Classification: Likely pathogenic for Watson syndrome. Last evaluated: 2024-10-04. Review status: criteria provided, single submitter. Criteria: ACMG Guidelines, 2015. Collection method: research. Allele origin: germline. Affected: yes.
Comment: PVS1,PM2,PP1

NM_001042492.3(NF1):c.1317del (p.Arg440fs)

Gene: NF1 (neurofibromin 1; plus strand). Cytogenetic location: 17q11.2.
Variant type: Deletion.
Coding change: c.1317del on transcript NM_001042492.3 (MANE Select); coding-DNA position 1317, one base deleted (T; older notation c.1317delT).
Protein change: p.Arg440fs; shifts the reading frame from arginine 440.
Molecular consequence: frameshift variant.
Genome position (GRCh38, 1-based): chr17:31,206,296, T deleted; the last of 2 consecutive T bases (chr17:31,206,295-31,206,296); deleting either gives the same sequence. VCF-style (leftmost placement, unchanged base first): chr17-31206294-CT-C. GRCh37 (hg19) VCF-style: chr17-29533312-CT-C.
Other names: c.1317delT, p.Arg440Glufs (NM_000267.4); c.1317del, p.Arg440fs (NM_001128147.3); short protein forms R440fs.
Identifiers: ClinVar variation 3384015 (VCV003384015.1).